The following is an entry in ClinVar:

ClinVar aggregate classification (germline): Uncertain significance. Review status: criteria provided, multiple submitters, no conflicts (2 of 4 stars). 2 submissions from 2 submitters: Uncertain significance (2). Last evaluated 2025-04-12.

Conditions:
Inborn genetic diseases. Identifiers: MedGen C0950123, MeSH D030342.
Nemaline myopathy 10 (NEM10). Identifiers: MedGen C4015360, MONDO:0014513, OMIM 616165.

Allele frequency attached by ClinVar (database versions not stated): gnomAD 0.00003 and 0.00004; TOPMed 0.00005; ESP Exome Variant Server 0.00009.
gnomAD v4.1: 45 of 1,602,644 alleles (0.0028%); highest among the groups gnomAD compares: African/African-American, 0.0041%; no homozygotes.

Submissions (2):

Ambry Genetics
Classification: Uncertain significance for Inborn genetic diseases. Last evaluated: 2025-04-12. Review status: criteria provided, single submitter. Criteria: Ambry Variant Classification Scheme 2023. Collection method: clinical testing. Allele origin: germline.

Labcorp Genetics (formerly Invitae), Labcorp
Classification: Uncertain significance for Nemaline myopathy 10. Last evaluated: 2022-09-13. Review status: criteria provided, single submitter. Criteria: Invitae Variant Classification Sherloc (09022015). Collection method: clinical testing. Allele origin: germline.
Comment: This sequence change replaces arginine, which is basic and polar, with cysteine, which is neutral and slightly polar, at codon 111 of the LMOD3 protein (p.Arg111Cys). This variant is present in population databases (rs373887230, gnomAD 0.007%). This variant has not been reported in the literature in individuals affected with LMOD3-related conditions. ClinVar contains an entry for this variant (Variation ID: 949710). Algorithms developed to predict the effect of missense changes on protein structure and function are either unavailable or do not agree on the potential impact of this missense change (SIFT: "Deleterious"; PolyPhen-2: "Benign"; Align-GVGD: "Class C0"). In summary, the available evidence is currently insufficient to determine the role of this variant in disease. Therefore, it has been classified as a Variant of Uncertain Significance.

NM_198271.5(LMOD3):c.331C>T (p.Arg111Cys)

Gene: LMOD3 (leiomodin 3; minus strand). Cytogenetic location: 3p14.1.
Variant type: single nucleotide variant.
Coding change: c.331C>T on transcript NM_198271.5 (MANE Select); coding-DNA position 331, C replaced by T.
Protein change: p.Arg111Cys; replaces arginine 111 with cysteine.
Molecular consequence: missense variant.
Genome position (GRCh38, 1-based): chr3:69,120,024, G>A on the plus strand (C>T on the coding strand, the complement: LMOD3 is on the minus strand). VCF-style: chr3-69120024-G-A. GRCh37 (hg19) VCF-style: chr3-69169175-G-A.
Other names: c.331C>T, p.Arg111Cys (NM_001304418.3); c.331C>T (NM_198271.3); short protein forms R111C.
Identifiers: ClinVar variation 949710 (VCV000949710.5), dbSNP rs373887230, ClinGen allele CA76454082.
Genomic context (GRCh38, chr3:69,120,024, plus strand): 5'-TATTTGCAACTATTTCATTATTGAGCTTTTCTTTTAAATACTGGGCCATATTTTTATTAC[G>A]TTTTTCTATTTCTTCATGCTCTTCTTGAGTCTTTTCCTACAAGAGAGGTTTATGAGGGTT-3'
Protein context (NP_938012.2, residues 101-121): TQEEHEEIEK[Arg111Cys]NKNMAQYLKE